The following is an entry in ClinVar:

NM_000393.5(COL5A2):c.3268C>A (p.Pro1090Thr)

Gene: COL5A2 (collagen type V alpha 2 chain; minus strand). Cytogenetic location: 2q32.2.
Variant type: single nucleotide variant.
Coding change: c.3268C>A on transcript NM_000393.5 (MANE Select); coding-DNA position 3268, C replaced by A.
Protein change: p.Pro1090Thr; replaces proline 1090 with threonine.
Molecular consequence: missense variant.
Genome position (GRCh38, 1-based): chr2:189,045,841, G>T on the plus strand (C>A on the coding strand, the complement: COL5A2 is on the minus strand). VCF-style: chr2-189045841-G-T. GRCh37 (hg19) VCF-style: chr2-189910567-G-T.
Other names: short protein forms P1090T.
Identifiers: ClinVar variation 2145658 (VCV002145658.4), dbSNP rs761543775, ClinGen allele CA349862543.

ClinVar aggregate classification (germline): Uncertain significance (1 of 4 stars; one submission).

Conditions:
Ehlers-Danlos syndrome, classic type, 1 (EDSCL1). Also called: Ehlers-Danlos Syndrome, Classic Type, COL5A1-Related; EHLERS-DANLOS SYNDROME, GRAVIS TYPE; EHLERS-DANLOS SYNDROME, SEVERE CLASSIC TYPE; Ehlers-Danlos syndrome, type 1; EDS I. Identifiers: MedGen C0268335, MONDO:0019567, OMIM 130000.

gnomAD v4.1: 1 of 1,614,086 alleles (0.000062%); highest among the groups gnomAD compares: Non-Finnish European, 0.000085%; no homozygotes.

Submission:

Labcorp Genetics (formerly Invitae), Labcorp
Classification: Uncertain significance for Ehlers-Danlos syndrome, classic type, 1. Last evaluated: 2022-07-31. Review status: criteria provided, single submitter. Criteria: Invitae Variant Classification Sherloc (09022015). Collection method: clinical testing. Allele origin: germline.
Comment: This sequence change replaces proline, which is neutral and non-polar, with threonine, which is neutral and polar, at codon 1090 of the COL5A2 protein (p.Pro1090Thr). This variant is not present in population databases (gnomAD no frequency). This variant has not been reported in the literature in individuals affected with COL5A2-related conditions. Advanced modeling of protein sequence and biophysical properties (such as structural, functional, and spatial information, amino acid conservation, physicochemical variation, residue mobility, and thermodynamic stability) performed at Invitae indicates that this missense variant is not expected to disrupt COL5A2 protein function. In summary, the available evidence is currently insufficient to determine the role of this variant in disease. Therefore, it has been classified as a Variant of Uncertain Significance.